The following is an entry in ClinVar:

ClinVar aggregate classification (germline): Uncertain significance. Review status: criteria provided, multiple submitters, no conflicts (2 of 4 stars). 2 submissions from 2 submitters: Uncertain significance (2). Last evaluated 2025-11-25.

Conditions:
Hereditary cancer-predisposing syndrome. Also called: Hereditary Cancer Syndrome; Neoplastic Syndromes, Hereditary; Hereditary neoplastic syndrome; Tumor predisposition. Identifiers: Orphanet 140162, MedGen C0027672, MeSH D009386, MONDO:0015356.
Familial adenomatous polyposis 1 (FAP1). Also called: FAMILIAL ADENOMATOUS POLYPOSIS 1, ATTENUATED; POLYPOSIS, ADENOMATOUS INTESTINAL. Identifiers: MedGen C2713442, MONDO:0021056, OMIM 175100. Disease mechanism: loss of function.

gnomAD v4.1: 1 of 1,613,942 alleles (0.000062%); highest among the groups gnomAD compares: East Asian, 0.0022%; no homozygotes.

Submissions (2):

Labcorp Genetics (formerly Invitae), Labcorp
Classification: Uncertain significance for Familial adenomatous polyposis 1. Last evaluated: 2025-11-25. Review status: criteria provided, single submitter. Criteria: Invitae Variant Classification Sherloc (09022015). Collection method: clinical testing. Allele origin: germline.
Comment: This sequence change replaces arginine, which is basic and polar, with serine, which is neutral and polar, at codon 1146 of the APC protein (p.Arg1146Ser). This variant is not present in population databases (gnomAD no frequency). This variant has not been reported in the literature in individuals affected with APC-related conditions. Invitae Evidence Modeling of protein sequence and biophysical properties (such as structural, functional, and spatial information, amino acid conservation, physicochemical variation, residue mobility, and thermodynamic stability) indicates that this missense variant is not expected to disrupt APC protein function with a negative predictive value of 95%. In summary, the available evidence is currently insufficient to determine the role of this variant in disease. Therefore, it has been classified as a Variant of Uncertain Significance.

Color Diagnostics, LLC DBA Color Health
Classification: Uncertain significance for Hereditary cancer-predisposing syndrome. Last evaluated: 2025-10-28. Review status: criteria provided, single submitter. Criteria: ACMG Guidelines, 2015. Collection method: clinical testing. Allele origin: germline.
Comment: This missense variant replaces arginine with serine at codon 1146 of the APC protein. Computational prediction is inconclusive regarding the impact of this variant on protein structure and function. APC is defined as a gene for which primarily truncating variants are known to cause disease (ClinGen HCCP VCEP). To our knowledge, functional studies have not been reported for this variant. This variant has not been reported in individuals affected with APC-related disorders in the literature. This variant has been identified in 1/1461812 chromosomes in the general population by the Genome Aggregation Database (gnomAD). The available evidence is insufficient to determine the role of this variant in disease conclusively. Therefore, this variant is classified as a Variant of Uncertain Significance.

NM_000038.6(APC):c.3436C>A (p.Arg1146Ser)

Gene: APC (APC regulator of Wnt signaling pathway; plus strand). Cytogenetic location: 5q22.2.
Variant type: single nucleotide variant.
Coding change: c.3436C>A on transcript NM_000038.6 (MANE Select); coding-DNA position 3436, C replaced by A.
Protein change: p.Arg1146Ser; replaces arginine 1146 with serine.
Molecular consequence: missense variant. On other transcripts: non-coding transcript variant (2).
Genome position (GRCh38, 1-based): chr5:112,839,030, C>A. VCF-style: chr5-112839030-C-A. GRCh37 (hg19) VCF-style: chr5-112174727-C-A.
Other names: c.3436C>A, p.Arg1146Ser (NM_001127510.3, NM_001354895.2, NM_001407450.1); c.3382C>A, p.Arg1128Ser (NM_001127511.3); c.3490C>A, p.Arg1164Ser (NM_001354896.2, NM_001407447.1, NM_001407448.1 and 1 more transcripts); c.3466C>A, p.Arg1156Ser (NM_001354897.2); c.3361C>A, p.Arg1121Ser (NM_001354898.2); c.3352C>A, p.Arg1118Ser (NM_001354899.2); c.3313C>A, p.Arg1105Ser (NM_001354900.2); c.3259C>A, p.Arg1087Ser (NM_001354901.2, NM_001407453.1); and 11 more; short protein forms R1017S, R1121S, R1139S, R1164S, R863S, R1020S, R1063S, R1105S.
Identifiers: ClinVar variation 4712238 (VCV004712238.1).